The following is an entry in ClinVar:

NM_004329.3(BMPR1A):c.1474-5T>C

Gene: BMPR1A (bone morphogenetic protein receptor type 1A; plus strand). Cytogenetic location: 10q23.2.
Variant type: single nucleotide variant.
Coding change: c.1474-5T>C on transcript NM_004329.3 (MANE Select); 5 bases into the intron before coding-DNA position 1474, T replaced by C.
Molecular consequence: intron variant.
Genome position (GRCh38, 1-based): chr10:86,923,589, T>C. VCF-style: chr10-86923589-T-C. GRCh37 (hg19) VCF-style: chr10-88683346-T-C.
Identifiers: ClinVar variation 486807 (VCV000486807.6), dbSNP rs1554891635, ClinGen allele CA658657995.

ClinVar aggregate classification (germline): Conflicting classifications of pathogenicity. Review status: criteria provided, conflicting classifications (1 of 4 stars). 2 submissions from 2 submitters: Uncertain significance (1); Likely benign (1). Last evaluated 2024-08-08.

Conditions:
Juvenile polyposis syndrome (JPS). Identifiers: Orphanet 2929, MedGen C0345893, MONDO:0017380, OMIM 174900.
Hereditary cancer-predisposing syndrome. Also called: Tumor predisposition; Neoplastic Syndromes, Hereditary; Hereditary Cancer Syndrome; Hereditary neoplastic syndrome. Identifiers: Orphanet 140162, MedGen C0027672, MeSH D009386, MONDO:0015356.

Submissions (2):

Myriad Genetics, Inc.
Classification: Likely benign for Juvenile polyposis syndrome. Last evaluated: 2024-08-08. Review status: criteria provided, single submitter. Criteria: Myriad Autosomal Dominant, Autosomal Recessive and X-Linked Classification Criteria (2023). Collection method: clinical testing. Allele origin: unknown.
Comment: This variant is considered likely benign. This variant is intronic and is not expected to impact mRNA splicing.

Ambry Genetics
Classification: Uncertain significance for Hereditary cancer-predisposing syndrome. Last evaluated: 2022-01-21. Review status: criteria provided, single submitter. Criteria: Ambry Variant Classification Scheme 2023. Collection method: clinical testing. Allele origin: germline.
Comment: The c.1474-5T>C intronic variant results from a T to C substitution 5 nucleotides upstream from coding exon 11 in the BMPR1A gene. This nucleotide position is well conserved in available vertebrate species. In silico splice site analysis predicts that this alteration may weaken the native splice acceptor site. Since supporting evidence is limited at this time, the clinical significance of this alteration remains unclear.